The following is an entry in ClinVar:

NM_014639.4(SKIC3):c.987C>G (p.Cys329Trp)

Gene: SKIC3 (SKI3 subunit of superkiller complex; minus strand). Cytogenetic location: 5q15.
Variant type: single nucleotide variant.
Coding change: c.987C>G on transcript NM_014639.4 (MANE Select); coding-DNA position 987, C replaced by G.
Protein change: p.Cys329Trp; replaces cysteine 329 with tryptophan.
Molecular consequence: missense variant.
Genome position (GRCh38, 1-based): chr5:95,529,008, G>C on the plus strand (C>G on the coding strand, the complement: SKIC3 is on the minus strand). VCF-style: chr5-95529008-G-C. GRCh37 (hg19) VCF-style: chr5-94864712-G-C.
Other names: c.987C>G (NM_014639.3); short protein forms C329W.
Identifiers: ClinVar variation 1041183 (VCV001041183.4), dbSNP rs773134781, ClinGen allele CA3347471.

ClinVar aggregate classification (germline): Uncertain significance. Review status: criteria provided, multiple submitters, no conflicts (2 of 4 stars). 2 submissions from 2 submitters: Uncertain significance (2). Last evaluated 2022-02-28.

Conditions:
Inborn genetic diseases. Identifiers: MedGen C0950123, MeSH D030342.

Allele frequency attached by ClinVar (database versions not stated): gnomAD exomes 0.00001; TOPMed 0.00003; ExAC 0.00001; gnomAD 0.00001.
gnomAD v4.1: 28 of 1,613,358 alleles (0.0017%); highest among the groups gnomAD compares: Middle Eastern, 0.12%; 1 homozygote.

Submissions (2):

Labcorp Genetics (formerly Invitae), Labcorp
Classification: Uncertain significance. Last evaluated: 2022-02-28. Review status: criteria provided, single submitter. Criteria: Invitae Variant Classification Sherloc (09022015). Collection method: clinical testing. Allele origin: germline.
Comment: This sequence change replaces cysteine, which is neutral and slightly polar, with tryptophan, which is neutral and slightly polar, at codon 329 of the TTC37 protein (p.Cys329Trp). This variant is present in population databases (rs773134781, gnomAD 0.01%). This variant has not been reported in the literature in individuals affected with TTC37-related conditions. ClinVar contains an entry for this variant (Variation ID: 1041183). Algorithms developed to predict the effect of missense changes on protein structure and function are either unavailable or do not agree on the potential impact of this missense change (SIFT: "Deleterious"; PolyPhen-2: "Probably Damaging"; Align-GVGD: "Class C0"). In summary, the available evidence is currently insufficient to determine the role of this variant in disease. Therefore, it has been classified as a Variant of Uncertain Significance.

Ambry Genetics
Classification: Uncertain significance for Inborn genetic diseases. Last evaluated: 2021-07-06. Review status: criteria provided, single submitter. Criteria: Ambry Variant Classification Scheme 2023. Collection method: clinical testing. Allele origin: germline.